The following is an entry in ClinVar:

ClinVar aggregate classification (germline): Uncertain significance. Review status: criteria provided, multiple submitters, no conflicts (2 of 4 stars). 2 submissions from 2 submitters: Uncertain significance (2). Last evaluated 2024-08-22.

Conditions:
Cardiovascular phenotype. Identifiers: MedGen CN230736.
Hereditary cancer-predisposing syndrome. Also called: Neoplastic Syndromes, Hereditary; Hereditary Cancer Syndrome; Hereditary neoplastic syndrome; Tumor predisposition. Identifiers: Orphanet 140162, MedGen C0027672, MeSH D009386, MONDO:0015356.
Neurofibromatosis, type 1 (NF1). Also called: Neurofibromatosis, type I; VON RECKLINGHAUSEN DISEASE; Peripheral type neurofibromatosis; NEUROFIBROMATOSIS, TYPE I, SOMATIC. Identifiers: Orphanet 636, MedGen C0027831, MONDO:0018975, OMIM 162200. Disease mechanism: loss of function.

Submissions (2):

Ambry Genetics
Classification: Uncertain significance for Cardiovascular phenotype; Hereditary cancer-predisposing syndrome. Last evaluated: 2024-08-22. Review status: criteria provided, single submitter. Criteria: Ambry Variant Classification Scheme 2023. Collection method: clinical testing. Allele origin: germline.
Comment: The p.F2217L variant (also known as c.6651C>A), located in coding exon 44 of the NF1 gene, results from a C to A substitution at nucleotide position 6651. The phenylalanine at codon 2217 is replaced by leucine, an amino acid with highly similar properties. This amino acid position is highly conserved in available vertebrate species. In addition, the in silico prediction for this alteration is inconclusive. Based on the available evidence, the clinical significance of this variant remains unclear.

Labcorp Genetics (formerly Invitae), Labcorp
Classification: Uncertain significance for Neurofibromatosis, type 1. Last evaluated: 2019-12-17. Review status: criteria provided, single submitter. Criteria: Invitae Variant Classification Sherloc (09022015). Collection method: clinical testing. Allele origin: germline.
Comment: In summary, the available evidence is currently insufficient to determine the role of this variant in disease. Therefore, it has been classified as a Variant of Uncertain Significance. Algorithms developed to predict the effect of missense changes on protein structure and function are either unavailable or do not agree on the potential impact of this missense change (SIFT: "Deleterious"; PolyPhen-2: "Probably Damaging"; Align-GVGD: "Class C0"). This variant has not been reported in the literature in individuals with NF1-related conditions. This variant is not present in population databases (ExAC no frequency). This sequence change replaces phenylalanine with leucine at codon 2217 of the NF1 protein (p.Phe2217Leu). The phenylalanine residue is highly conserved and there is a small physicochemical difference between phenylalanine and leucine.

NM_001042492.3(NF1):c.6714C>A (p.Phe2238Leu)

Gene: NF1 (neurofibromin 1; plus strand). Cytogenetic location: 17q11.2.
Variant type: single nucleotide variant.
Coding change: c.6714C>A on transcript NM_001042492.3 (MANE Select); coding-DNA position 6714, C replaced by A.
Protein change: p.Phe2238Leu; replaces phenylalanine 2238 with leucine.
Molecular consequence: missense variant.
Genome position (GRCh38, 1-based): chr17:31,338,034, C>A. VCF-style: chr17-31338034-C-A. GRCh37 (hg19) VCF-style: chr17-29665052-C-A.
Other names: c.6651C>A, p.Phe2217Leu (NM_000267.4); short protein forms F2238L, F2217L.
Identifiers: ClinVar variation 850627 (VCV000850627.11), dbSNP rs2069724756, ClinGen allele CA399013996.